The following is an entry in ClinVar:

NM_000101.4(CYBA):c.363C>A (p.Tyr121Ter)

Gene: CYBA (cytochrome b-245 alpha chain; minus strand). Cytogenetic location: 16q24.2.
Variant type: single nucleotide variant.
Coding change: c.363C>A on transcript NM_000101.4 (MANE Select); coding-DNA position 363, C replaced by A.
Protein change: p.Tyr121Ter; replaces tyrosine 121 with a stop codon.
Molecular consequence: nonsense.
Genome position (GRCh38, 1-based): chr16:88,646,122, G>T on the plus strand (C>A on the coding strand, the complement: CYBA is on the minus strand). VCF-style: chr16-88646122-G-T. GRCh37 (hg19) VCF-style: chr16-88712530-G-T.
Other names: short protein forms Y121*.
Identifiers: ClinVar variation 4817428 (VCV004817428.1).

ClinVar aggregate classification (germline): Likely pathogenic (1 of 4 stars; one submission).

Conditions:
Chronic granulomatous disease. Identifiers: Orphanet 379, MedGen C0018203, MONDO:0018305.

Submission:

Natera, Inc.
Classification: Likely pathogenic for Chronic granulomatous disease. Last evaluated: 2024-08-04. Review status: criteria provided, single submitter. Criteria: Natera Variant Classification Schema (03/2026). Collection method: clinical testing. Allele origin: germline.
Comment: The c.363C>A variant in CYBA is a nonsense variant predicted to introduce a stop codon at amino acid 121. This variant is expected to result in nonsense mediated decay, truncation, or a dysfunctional protein product. This variant is rare in the general population with a frequency below the threshold expected for the associated phenotype(s). Given the available evidence, this variant is classified as Likely Pathogenic.